The following is an entry in ClinVar:

NM_004525.3(LRP2):c.4506+5G>A

Gene: LRP2 (LDL receptor related protein 2; minus strand). Cytogenetic location: 2q31.1.
Variant type: single nucleotide variant.
Coding change: c.4506+5G>A on transcript NM_004525.3 (MANE Select); 5 bases into the intron after coding-DNA position 4506, G replaced by A.
Molecular consequence: intron variant.
Genome position (GRCh38, 1-based): chr2:169,238,086, C>T on the plus strand (G>A on the coding strand, the complement: LRP2 is on the minus strand). VCF-style: chr2-169238086-C-T. GRCh37 (hg19) VCF-style: chr2-170094596-C-T.
Identifiers: ClinVar variation 1463487 (VCV001463487.6), dbSNP rs2105378555, ClinGen allele CA2573134212.

ClinVar aggregate classification (germline): Uncertain significance (1 of 4 stars; one submission).

Allele frequency attached by ClinVar (database versions not stated): gnomAD exomes below 0.00001.
gnomAD v4.1: 1 of 1,612,922 alleles (0.000062%); highest among the groups gnomAD compares: Non-Finnish European, 0.000085%; no homozygotes.

Submission:

Labcorp Genetics (formerly Invitae), Labcorp
Classification: Uncertain significance. Last evaluated: 2022-05-05. Review status: criteria provided, single submitter. Criteria: Invitae Variant Classification Sherloc (09022015). Collection method: clinical testing. Allele origin: germline.
Comment: This sequence change falls in intron 27 of the LRP2 gene. It does not directly change the encoded amino acid sequence of the LRP2 protein. It affects a nucleotide within the consensus splice site. In summary, the available evidence is currently insufficient to determine the role of this variant in disease. Therefore, it has been classified as a Variant of Uncertain Significance. Variants that disrupt the consensus splice site are a relatively common cause of aberrant splicing (PMID: 17576681, 9536098). Algorithms developed to predict the effect of sequence changes on RNA splicing suggest that this variant may create or strengthen a splice site. This variant has not been reported in the literature in individuals affected with LRP2-related conditions. This variant is not present in population databases (gnomAD no frequency).

Literature cited by the submitters: PubMed 17576681; PubMed 9536098.